The following is an entry in ClinVar:

NM_015910.7(WDPCP):c.1850C>T (p.Ala617Val)

Gene: WDPCP (WD repeat containing planar cell polarity effector; minus strand). Cytogenetic location: 2p15.
Variant type: single nucleotide variant.
Coding change: c.1850C>T on transcript NM_015910.7 (MANE Select); coding-DNA position 1850, C replaced by T.
Protein change: p.Ala617Val; replaces alanine 617 with valine.
Molecular consequence: missense variant. On other transcripts: non-coding transcript variant (2).
Genome position (GRCh38, 1-based): chr2:63,259,372, G>A on the plus strand (C>T on the coding strand, the complement: WDPCP is on the minus strand). VCF-style: chr2-63259372-G-A. GRCh37 (hg19) VCF-style: chr2-63486507-G-A.
Other names: c.1373C>T, p.Ala458Val (NM_001042692.3); c.1778C>T, p.Ala593Val (NM_001354044.2); short protein forms A458V, A593V, A617V.
Identifiers: ClinVar variation 2285677 (VCV002285677.4), dbSNP rs780498393, ClinGen allele CA1682081.

ClinVar aggregate classification (germline): Uncertain significance. Review status: criteria provided, multiple submitters, no conflicts (2 of 4 stars). 2 submissions from 2 submitters: Uncertain significance (2). Last evaluated 2026-08-21.

Conditions:
Inborn genetic diseases. Identifiers: MedGen C0950123, MeSH D030342.
WDPCP-related disorder. Also called: WDPCP-related condition.

Allele frequency attached by ClinVar (database versions not stated): gnomAD 0.00001; gnomAD exomes 0.00001; TOPMed 0.00001; ExAC 0.00002.
gnomAD v4.1: 5 of 1,612,286 alleles (0.00031%); highest among the groups gnomAD compares: South Asian, 0.0011%; no homozygotes.

Submissions (2):

PreventionGenetics, part of Exact Sciences
Classification: Uncertain significance for WDPCP-related condition. Last evaluated: 2026-08-21. Review status: criteria provided, single submitter. Criteria: ACMG Guidelines, 2015. Collection method: clinical testing. Allele origin: germline.
Comment: The WDPCP c.1850C>T variant is predicted to result in the amino acid substitution p.Ala617Val. To our knowledge, this variant has not been reported in the literature. This variant is reported in 0.0027% of alleles in individuals of European (Non-Finnish) descent in gnomAD. At this time, the clinical significance of this variant is uncertain due to the absence of conclusive functional and genetic evidence.

Ambry Genetics
Classification: Uncertain significance for Inborn genetic diseases. Last evaluated: 2022-04-25. Review status: criteria provided, single submitter. Criteria: Ambry Variant Classification Scheme 2023. Collection method: clinical testing. Allele origin: germline.